The following is an entry in ClinVar:

ClinVar aggregate classification (germline): Uncertain significance. Review status: criteria provided, multiple submitters, no conflicts (2 of 4 stars). 2 submissions from 2 submitters: Uncertain significance (2). Last evaluated 2026-03-31.

Conditions:
Inborn genetic diseases. Identifiers: MedGen C0950123, MeSH D030342.

Submissions (2):

GeneDx
Classification: Uncertain significance. Last evaluated: 2026-03-31. Review status: criteria provided, single submitter. Criteria: GeneDx Variant Classification Process June 2021. Collection method: clinical testing. Allele origin: germline.
Comment: Not observed at significant frequency in large population cohorts (gnomAD); In silico analysis suggests that this missense variant does not alter protein structure/function; Has not been previously published as pathogenic or benign to our knowledge

Ambry Genetics
Classification: Uncertain significance for Inborn genetic diseases. Last evaluated: 2025-01-03. Review status: criteria provided, single submitter. Criteria: Ambry Variant Classification Scheme 2023. Collection method: clinical testing. Allele origin: germline.

NM_001378418.1(TCF20):c.14G>T (p.Arg5Leu)

Gene: TCF20 (transcription factor 20; minus strand). Cytogenetic location: 22q13.2.
Variant type: single nucleotide variant.
Coding change: c.14G>T on transcript NM_001378418.1 (MANE Select); coding-DNA position 14, G replaced by T.
Protein change: p.Arg5Leu; replaces arginine 5 with leucine.
Molecular consequence: missense variant.
Genome position (GRCh38, 1-based): chr22:42,215,292, C>A on the plus strand (G>T on the coding strand, the complement: TCF20 is on the minus strand). VCF-style: chr22-42215292-C-A. GRCh37 (hg19) VCF-style: chr22-42611298-C-A.
Other names: c.14G>T, p.Arg5Leu (NM_005650.4, NM_181492.3); short protein forms R5L.
Identifiers: ClinVar variation 3805049 (VCV003805049.2).
Genomic context (GRCh38, chr22:42,215,292, plus strand): 5'-GATGAGCCGTGTACCTCCTGTGGGTAGCTTTGCTGGTTTCCGTGGTAACTGCTTTGCTCC[C>A]GAAAGGACTGCATACTGTTCAGCAGCACAGCAGCAGGCCAACAGCCCTCCTAGAAATAGA-3'
Protein context (NP_001365347.1, residues 1-15): MQSF[Arg5Leu]EQSSYHGNQQ